The following is an entry in ClinVar:

NM_174889.5(NDUFAF2):c.451G>A (p.Gly151Ser)

Gene: NDUFAF2 (NADH:ubiquinone oxidoreductase complex assembly factor 2; plus strand). Cytogenetic location: 5q12.1.
Variant type: single nucleotide variant.
Coding change: c.451G>A on transcript NM_174889.5 (MANE Select); coding-DNA position 451, G replaced by A.
Protein change: p.Gly151Ser; replaces glycine 151 with serine.
Molecular consequence: missense variant.
Genome position (GRCh38, 1-based): chr5:61,152,896, G>A. VCF-style: chr5-61152896-G-A. GRCh37 (hg19) VCF-style: chr5-60448723-G-A.
Other names: short protein forms G151S.
Identifiers: ClinVar variation 493411 (VCV000493411.67), dbSNP rs9885480, ClinGen allele CA3278200.

ClinVar aggregate classification (germline): Conflicting classifications of pathogenicity. Review status: criteria provided, conflicting classifications (1 of 4 stars). 10 submissions from 9 submitters: Uncertain significance (1); Benign (3); Likely benign (4). 2 of the submissions do not count toward it. Last evaluated 2026-06-01.

Conditions:
Mitochondrial complex I deficiency, nuclear type 1. Also called: NADH-COENZYME Q REDUCTASE DEFICIENCY; MITOCHONDRIAL NADH DEHYDROGENASE COMPONENT OF COMPLEX I, DEFICIENCY OF. Identifiers: MedGen C6022305, MONDO:0100224, OMIM 252010.
Leigh syndrome (NULS). Also called: LEIGH SYNDROME, NUCLEAR; Leigh Disease; Subacute necrotizing encephalopathy; Necrotizing encephalopathy infantile subacute of Leigh; Leigh Syndrome (mtDNA deletion); Leigh's necrotizing encephalopathy. Identifiers: Orphanet 506, MedGen C2931891, MONDO:0009723, OMIM 256000.

Allele frequency attached by ClinVar (database versions not stated): 1000 Genomes Project 0.00120; 1000 Genomes Project 30x 0.00141; TOPMed 0.00158; ESP Exome Variant Server 0.00215; gnomAD exomes 0.00337 and 0.00442; gnomAD 0.00352 and 0.00369; ExAC 0.00526.
gnomAD v4.1: 5,433 of 1,613,166 alleles (0.34%); highest among the groups gnomAD compares: Non-Finnish European, 0.3%; 34 homozygotes.

Submissions (10):

CeGaT Center for Human Genetics Tuebingen
Classification: Likely benign. Last evaluated: 2026-06-01. Review status: criteria provided, single submitter. Criteria: CeGaT Center For Human Genetics Tuebingen Variant Classification Criteria Version 2. Collection method: clinical testing. Allele origin: germline. Affected: yes. Observed: 15 variant alleles.
Comment: NDUFAF2: BP4, BS2

Labcorp Genetics (formerly Invitae), Labcorp
Classification: Benign. Last evaluated: 2026-02-04. Review status: criteria provided, single submitter. Criteria: Invitae Variant Classification Sherloc (09022015). Collection method: clinical testing. Allele origin: germline.

Blueprint Genetics
Classification: Likely benign. Last evaluated: 2024-11-21. Review status: criteria provided, single submitter. Criteria: ACMG Guidelines, 2015. Collection method: clinical testing. Allele origin: germline.

Mayo Clinic Laboratories, Mayo Clinic
Classification: Benign. Last evaluated: 2024-05-10. Review status: criteria provided, single submitter. Criteria: ACMG Guidelines, 2015. Collection method: clinical testing. Allele origin: germline. Observed: 3 variant alleles.
Comment: BS1, BS2, BP4

GeneDx
Classification: Benign. Last evaluated: 2018-02-22. Review status: criteria provided, single submitter. Criteria: GeneDx Variant Classification (06012015). Collection method: clinical testing. Allele origin: germline. Affected: yes.
Comment: This variant is considered likely benign or benign based on one or more of the following criteria: it is a conservative change, it occurs at a poorly conserved position in the protein, it is predicted to be benign by multiple in silico algorithms, and/or has population frequency not consistent with disease.

ARUP Laboratories, Molecular Genetics and Genomics, ARUP Laboratories
Classification: Likely benign. Last evaluated: 2018-02-18. Review status: criteria provided, single submitter. Criteria: ARUP Molecular Germline Variant Investigation Process. Collection method: clinical testing. Allele origin: germline.
Comment: The NDUFAF2 c.451G>A; p.Gly151Ser variant (rs9885480), to our knowledge, is not reported in the medical literature or gene specific variant databases. However, this variant is found in the Finnish European population with an allele frequency of 2.2% (580/25,694 alleles, including 5 homozygotes) in the Genome Aggregation Database. The glycine at codon 151 is highly conserved considering 11 species up to Tetraodon (Alamut software v2.10.0), but computational analyses predict conflicting effects of this variant on protein structure/function (SIFT: tolerated, PolyPhen2: possibly damaging). Based on the available evidence, the p.Gly151Ser variant is classified as likely benign.

Illumina Laboratory Services, Illumina
Classification: Uncertain significance for Mitochondrial complex I deficiency, nuclear type 1. Last evaluated: 2018-01-12. Review status: criteria provided, single submitter. Criteria: ICSL Variant Classification Criteria 13 December 2019. Collection method: clinical testing. Allele origin: germline.

Illumina Laboratory Services, Illumina
Classification: Likely benign for Leigh syndrome. Last evaluated: 2018-01-12. Review status: criteria provided, single submitter. Criteria: ICSL Variant Classification Criteria 13 December 2019. Collection method: clinical testing. Allele origin: germline.
Comment: This variant was observed in the ICSL laboratory as part of a predisposition screen in an ostensibly healthy population. It had not been previously curated by ICSL or reported in the Human Gene Mutation Database (HGMD: prior to June 1st, 2018), and was therefore a candidate for classification through an automated scoring system. Utilizing variant allele frequency, disease prevalence and penetrance estimates, and inheritance mode, an automated score was calculated to assess if this variant is too frequent to cause the disease. Based on the score and internal cut-off values, a variant classified as likely benign is not then subjected to further curation. The score for this variant resulted in a classification of likely benign for this disease.

Clinical Genetics DNA and cytogenetics Diagnostics Lab, Erasmus MC, Erasmus Medical Center
Classification: Likely benign. Review status: no assertion criteria provided. Collection method: clinical testing. Allele origin: germline. Affected: yes. Study: VKGL Data-share Consensus. Not counted in ClinVar's aggregate classification.

Diagnostic Laboratory, Department of Genetics, University Medical Center Groningen
Classification: Likely benign. Review status: no assertion criteria provided. Collection method: clinical testing. Allele origin: germline. Affected: yes. Study: VKGL Data-share Consensus. Not counted in ClinVar's aggregate classification.